The following is an entry in ClinVar:

NM_000057.4(BLM):c.836A>C (p.Glu279Ala)

Gene: BLM (BLM RecQ like helicase; plus strand). Cytogenetic location: 15q26.1.
Variant type: single nucleotide variant.
Coding change: c.836A>C on transcript NM_000057.4 (MANE Select); coding-DNA position 836, A replaced by C.
Protein change: p.Glu279Ala; replaces glutamic acid 279 with alanine.
Molecular consequence: missense variant. On other transcripts: 5 prime UTR variant (1).
Genome position (GRCh38, 1-based): chr15:90,751,823, A>C. VCF-style: chr15-90751823-A-C. GRCh37 (hg19) VCF-style: chr15-91295053-A-C.
Other names: c.836A>C, p.Glu279Ala (NM_001287246.2, NM_001287247.2); c.-456A>C (NM_001287248.2); short protein forms E279A.
Identifiers: ClinVar variation 4997656 (VCV004997656.1).

ClinVar aggregate classification (germline): Uncertain significance (1 of 4 stars; one submission).

Conditions:
BLM-related disorder. Also called: BLM-related condition.

gnomAD v4.1: 1 of 1,613,056 alleles (0.000062%); highest among the groups gnomAD compares: Admixed American, 0.0017%; no homozygotes.

Submission:

PreventionGenetics, part of Exact Sciences
Classification: Uncertain significance for BLM-related condition. Last evaluated: 2025-01-02. Review status: criteria provided, single submitter. Criteria: ACMG Guidelines, 2015. Collection method: clinical testing. Allele origin: germline.
Comment: The BLM c.836A>C variant is predicted to result in the amino acid substitution p.Glu279Ala. To our knowledge, this variant has not been reported in the literature. This variant is reported in 0.0029% of alleles in individuals of Latino descent in gnomAD. At the time of reporting, this variant is absent in ClinVar. At this time, the clinical significance of this variant is uncertain due to the absence of conclusive functional and genetic evidence.